The following is an entry in ClinVar:

NM_001163435.3(TBCK):c.1918A>G (p.Ile640Val)

Gene: TBCK (TBC1 domain containing kinase; minus strand). Cytogenetic location: 4q24.
Variant type: single nucleotide variant.
Coding change: c.1918A>G on transcript NM_001163435.3 (MANE Select); coding-DNA position 1918, A replaced by G.
Protein change: p.Ile640Val; replaces isoleucine 640 with valine.
Molecular consequence: missense variant.
Genome position (GRCh38, 1-based): chr4:106,193,750, T>C on the plus strand (A>G on the coding strand, the complement: TBCK is on the minus strand). VCF-style: chr4-106193750-T-C. GRCh37 (hg19) VCF-style: chr4-107114907-T-C.
Other names: c.1918A>G, p.Ile640Val (NM_001163436.4); c.1801A>G, p.Ile601Val (NM_001163437.3); c.1402A>G, p.Ile468Val (NM_001290768.2); c.1729A>G, p.Ile577Val (NM_033115.5); c.1918A>G (NM_001163435.1); short protein forms I468V, I577V, I601V, I640V.
Identifiers: ClinVar variation 1516837 (VCV001516837.6), dbSNP rs1318167008, ClinGen allele CA357821452.
Genomic context (GRCh38, chr4:106,193,750, plus strand): 5'-CTCCAATACAGAATGGGAAAGAGGAATTCCCAAGTAGTAAGGTATCCCAGAGGTGGAAAA[T>C]TTTGTGTAGTGGAAATACATCTGTAAAACGATAAAAATACAAATAAATTAAAAAACCAAA-3'
Protein context (NP_001156907.2, residues 630-650): MFTHVFPLHK[Ile640Val]FHLWDTLLLG

ClinVar aggregate classification (germline): Uncertain significance. Review status: criteria provided, multiple submitters, no conflicts (2 of 4 stars). 2 submissions from 2 submitters: Uncertain significance (2). Last evaluated 2025-08-02.

Conditions:
Inborn genetic diseases. Identifiers: MedGen C0950123, MeSH D030342.

Allele frequency attached by ClinVar (database versions not stated): gnomAD 0.00002.
gnomAD v4.1: 3 of 1,580,752 alleles (0.00019%); highest among the groups gnomAD compares: African/African-American, 0.0041%; no homozygotes.

Submissions (2):

Ambry Genetics
Classification: Uncertain significance for Inborn genetic diseases. Last evaluated: 2025-08-02. Review status: criteria provided, single submitter. Criteria: Ambry Variant Classification Scheme 2023. Collection method: clinical testing. Allele origin: germline.

Labcorp Genetics (formerly Invitae), Labcorp
Classification: Uncertain significance. Last evaluated: 2021-08-30. Review status: criteria provided, single submitter. Criteria: Invitae Variant Classification Sherloc (09022015). Collection method: clinical testing. Allele origin: germline.
Comment: This sequence change replaces isoleucine with valine at codon 640 of the TBCK protein (p.Ile640Val). The isoleucine residue is highly conserved and there is a small physicochemical difference between isoleucine and valine. This variant is not present in population databases (ExAC no frequency). This variant has not been reported in the literature in individuals affected with TBCK-related conditions. Algorithms developed to predict the effect of missense changes on protein structure and function are either unavailable or do not agree on the potential impact of this missense change (SIFT: "Tolerated"; PolyPhen-2: "Possibly Damaging"; Align-GVGD: "Class C15"). Algorithms developed to predict the effect of sequence changes on RNA splicing suggest that this variant may create or strengthen a splice site. In summary, the available evidence is currently insufficient to determine the role of this variant in disease. Therefore, it has been classified as a Variant of Uncertain Significance.